The following is an entry in ClinVar:

NM_024642.5(GALNT12):c.594C>T (p.Arg198=)

Gene: GALNT12 (polypeptide N-acetylgalactosaminyltransferase 12; plus strand). Cytogenetic location: 9q22.33.
Variant type: single nucleotide variant.
Coding change: c.594C>T on transcript NM_024642.5 (MANE Select); coding-DNA position 594, C replaced by T.
Protein change: p.Arg198=; no amino-acid change (arginine 198 retained).
Molecular consequence: synonymous variant.
Genome position (GRCh38, 1-based): chr9:98,826,804, C>T. VCF-style: chr9-98826804-C-T. GRCh37 (hg19) VCF-style: chr9-101589086-C-T.
Identifiers: ClinVar variation 1750667 (VCV001750667.3), dbSNP rs1212444648, ClinGen allele CA466423766.

ClinVar aggregate classification (germline): Conflicting classifications of pathogenicity. Review status: criteria provided, conflicting classifications (1 of 4 stars). 2 submissions from 2 submitters: Uncertain significance (1); Benign (1). Last evaluated 2026-04-23.

Conditions:
Colorectal cancer, susceptibility to, 1. Also called: COLORECTAL ADENOMA AND CANCER, SUSCEPTIBILITY TO; COLORECTAL CANCER, SUSCEPTIBILITY TO, ON CHROMOSOME 9. Identifiers: MedGen C1837315, MONDO:0012132, OMIM 608812.

Allele frequency attached by ClinVar (database versions not stated): TOPMed below 0.00001.

Submissions (2):

Myriad Genetics, Inc.
Classification: Benign for Colorectal cancer, susceptibility to, 1. Last evaluated: 2026-04-23. Review status: criteria provided, single submitter. Criteria: Myriad Autosomal Dominant, Autosomal Recessive and X-Linked Classification Criteria (2023). Collection method: clinical testing. Allele origin: unknown.
Comment: This variant is considered benign. This variant is a silent/synonymous amino acid change and it is not expected to impact splicing.

Ambry Genetics
Classification: Uncertain significance. Last evaluated: 2022-07-08. Review status: criteria provided, single submitter. Criteria: Ambry Variant Classification Scheme 2023. Collection method: clinical testing. Allele origin: germline.
Comment: The c.594C>T variant (also known as p.R198R), located in coding exon 3 of the GALNT12 gene, results from a C to T substitution at nucleotide position 594. This nucleotide substitution does not change the arginine at codon 198. This nucleotide position is not well conserved in available vertebrate species. In silico splice site analysis for this alteration is inconclusive. The evidence for this gene-disease relationship is limited; therefore, the clinical significance of this alteration is unclear.